The following is an entry in ClinVar:

NM_000384.3(APOB):c.8582A>C (p.His2861Pro)

Gene: APOB (apolipoprotein B; minus strand). Cytogenetic location: 2p24.1.
Variant type: single nucleotide variant.
Coding change: c.8582A>C on transcript NM_000384.3 (MANE Select); coding-DNA position 8582, A replaced by C.
Protein change: p.His2861Pro; replaces histidine 2861 with proline.
Molecular consequence: missense variant.
Genome position (GRCh38, 1-based): chr2:21,008,286, T>G on the plus strand (A>C on the coding strand, the complement: APOB is on the minus strand). VCF-style: chr2-21008286-T-G. GRCh37 (hg19) VCF-style: chr2-21231158-T-G.
Other names: short protein forms H2861P.
Identifiers: ClinVar variation 3899410 (VCV003899410.1).
Genomic context (GRCh38, chr2:21,008,286, plus strand): 5'-AGCTGATTGTTTATCTTGACAATCACTCCATTACTAAGCTCCAGTGTATTTTTTTCTGTG[T>G]GTAAACTTGCCACTGTGTTTGATTTTCCCTCAATAGCATTTCCAAAAAACAGCATTTCAC-3'
Protein context (NP_000375.3, residues 2851-2871): EGKSNTVASL[His2861Pro]TEKNTLELSN

ClinVar aggregate classification (germline): Uncertain significance (1 of 4 stars; one submission).

gnomAD v4.1: 1 of 1,613,758 alleles (0.000062%); highest among the groups gnomAD compares: Non-Finnish European, 0.000085%; no homozygotes.

Submission:

GeneDx
Classification: Uncertain significance. Last evaluated: 2024-11-19. Review status: criteria provided, single submitter. Criteria: GeneDx Variant Classification Process June 2021. Collection method: clinical testing. Allele origin: germline. Affected: yes.
Comment: Not observed at significant frequency in large population cohorts (gnomAD); In silico analysis supports that this missense variant has a deleterious effect on protein structure/function; Has not been previously published as pathogenic or benign to our knowledge; Also known as H2834P